The following is an entry in ClinVar:

NM_015271.5(TRIM2):c.1910C>T (p.Thr637Ile)

Gene: TRIM2 (tripartite motif containing 2; plus strand). Cytogenetic location: 4q31.3.
Variant type: single nucleotide variant.
Coding change: c.1910C>T on transcript NM_015271.5 (MANE Select); coding-DNA position 1910, C replaced by T.
Protein change: p.Thr637Ile; replaces threonine 637 with isoleucine.
Molecular consequence: missense variant.
Genome position (GRCh38, 1-based): chr4:153,322,775, C>T. VCF-style: chr4-153322775-C-T. GRCh37 (hg19) VCF-style: chr4-154243927-C-T.
Other names: c.1829C>T, p.Thr610Ile (NM_001130067.2, NM_001351056.2, NM_001375512.1 and 5 more transcripts); c.1883C>T, p.Thr628Ile (NM_001351054.2); c.1880C>T, p.Thr627Ile (NM_001351055.2); c.1454C>T, p.Thr485Ile (NM_001351057.2); c.2003C>T, p.Thr668Ile (NM_001375488.1); c.2000C>T, p.Thr667Ile (NM_001375489.1); c.1853C>T, p.Thr618Ile (NM_001375490.1); c.1850C>T, p.Thr617Ile (NM_001375491.1); and 3 more; short protein forms T524I, T618I, T485I, T526I, T627I, T637I, T667I, T628I.
Identifiers: ClinVar variation 1354347 (VCV001354347.8), dbSNP rs1769292601, ClinGen allele CA358469549.
Genomic context (GRCh38, chr4:153,322,775, plus strand): 5'-TTGTTGTGGACAACAAGGCGTGCTGCGTGTTTATCTTCCAGCCAAACGGGAAAATAGTCA[C>T]CAGGTTTGGTAGCCGAGGAAATGGGGACAGGCAGTTTGCAGGTACACTCGATGGTAATAT-3'
Protein context (NP_056086.2, residues 627-647): FIFQPNGKIV[Thr637Ile]RFGSRGNGDR

ClinVar aggregate classification (germline): Uncertain significance (1 of 4 stars; one submission).

Conditions:
Charcot-Marie-Tooth disease type 2R. Also called: Charcot-Marie-Tooth disease, axonal, type 2R; CHARCOT-MARIE-TOOTH DISEASE, AXONAL, AUTOSOMAL RECESSIVE, TYPE 2R; CHARCOT-MARIE-TOOTH NEUROPATHY, TYPE 2R. Identifiers: Orphanet 397968, MedGen C3809655, MONDO:0014208, OMIM 615490.

Allele frequency attached by ClinVar (database versions not stated): gnomAD exomes below 0.00001; TOPMed below 0.00001; gnomAD 0.00001.
gnomAD v4.1: 2 of 1,614,068 alleles (0.00012%); highest among the groups gnomAD compares: Non-Finnish European, 0.00017%; no homozygotes.

Submission:

Labcorp Genetics (formerly Invitae), Labcorp
Classification: Uncertain significance for Charcot-Marie-Tooth disease type 2R. Last evaluated: 2023-12-25. Review status: criteria provided, single submitter. Criteria: Invitae Variant Classification Sherloc (09022015). Collection method: clinical testing. Allele origin: germline.
Comment: This sequence change replaces threonine, which is neutral and polar, with isoleucine, which is neutral and non-polar, at codon 610 of the TRIM2 protein (p.Thr610Ile). This variant is not present in population databases (gnomAD no frequency). This variant has not been reported in the literature in individuals affected with TRIM2-related conditions. ClinVar contains an entry for this variant (Variation ID: 1354347). An algorithm developed to predict the effect of missense changes on protein structure and function (PolyPhen-2) suggests that this variant is likely to be tolerated. In summary, the available evidence is currently insufficient to determine the role of this variant in disease. Therefore, it has been classified as a Variant of Uncertain Significance.